The following is an entry in ClinVar:

NM_001457.4(FLNB):c.6531C>T (p.Thr2177=)

Gene: FLNB (filamin B; plus strand). Cytogenetic location: 3p14.3.
Variant type: single nucleotide variant.
Coding change: c.6531C>T on transcript NM_001457.4 (MANE Select); coding-DNA position 6531, C replaced by T.
Protein change: p.Thr2177=; no amino-acid change (threonine 2177 retained).
Molecular consequence: synonymous variant.
Genome position (GRCh38, 1-based): chr3:58,153,538, C>T. VCF-style: chr3-58153538-C-T. GRCh37 (hg19) VCF-style: chr3-58139265-C-T.
Other names: c.6624C>T, p.Thr2208= (NM_001164317.2); c.6498C>T, p.Thr2166= (NM_001164318.2); c.6459C>T, p.Thr2153= (NM_001164319.2).
Identifiers: ClinVar variation 346357 (VCV000346357.14), dbSNP rs778562859, ClinGen allele CA2469419.

ClinVar aggregate classification (germline): Conflicting classifications of pathogenicity. Review status: criteria provided, conflicting classifications (1 of 4 stars). 3 submissions from 3 submitters: Uncertain significance (1); Likely benign (1). 1 of the submissions does not count toward it. Last evaluated 2025-07-15.

Conditions:
FLNB-Related Spectrum Disorders.
FLNB-related disorder. Also called: FLNB-related condition; FLNB-related disorders. Identifiers: MedGen CN381095.

Allele frequency attached by ClinVar (database versions not stated): gnomAD exomes 0.00001 and 0.00003; ExAC 0.00002; gnomAD 0.00003 and 0.00004; TOPMed 0.00004.
gnomAD v4.1: 21 of 1,614,014 alleles (0.0013%); highest among the groups gnomAD compares: African/African-American, 0.0067%; no homozygotes.

Submissions (3):

Labcorp Genetics (formerly Invitae), Labcorp
Classification: Likely benign. Last evaluated: 2025-07-15. Review status: criteria provided, single submitter. Criteria: Invitae Variant Classification Sherloc (09022015). Collection method: clinical testing. Allele origin: germline.

Illumina Laboratory Services, Illumina
Classification: Uncertain significance for FLNB-Related Spectrum Disorders. Last evaluated: 2018-01-13. Review status: criteria provided, single submitter. Criteria: ICSL Variant Classification Criteria 13 December 2019. Collection method: clinical testing. Allele origin: germline.

PreventionGenetics, part of Exact Sciences
Classification: Likely benign for FLNB-related condition. Last evaluated: 2024-02-28. Review status: no assertion criteria provided. Collection method: clinical testing. Allele origin: germline. Not counted in ClinVar's aggregate classification.
Comment: This variant is classified as likely benign based on ACMG/AMP sequence variant interpretation guidelines (Richards et al. 2015 PMID: 25741868, with internal and published modifications).